The following is an entry in ClinVar:

NM_001114753.3(ENG):c.844T>A (p.Phe282Ile)

Gene: ENG (endoglin; minus strand). Cytogenetic location: 9q34.11.
Variant type: single nucleotide variant.
Coding change: c.844T>A on transcript NM_001114753.3 (MANE Select); coding-DNA position 844, T replaced by A.
Protein change: p.Phe282Ile; replaces phenylalanine 282 with isoleucine.
Molecular consequence: missense variant.
Genome position (GRCh38, 1-based): chr9:127,824,947, A>T on the plus strand (T>A on the coding strand, the complement: ENG is on the minus strand). VCF-style: chr9-127824947-A-T. GRCh37 (hg19) VCF-style: chr9-130587226-A-T.
Other names: c.844T>A, p.Phe282Ile (NM_000118.4, NM_001406715.1); c.298T>A, p.Phe100Ile (NM_001278138.2); short protein forms F100I, F282I.
Identifiers: ClinVar variation 4870486 (VCV004870486.1).

ClinVar aggregate classification (germline): Uncertain significance (1 of 4 stars; one submission).

Conditions:
Cardiovascular phenotype. Identifiers: MedGen CN230736.

Submission:

Ambry Genetics
Classification: Uncertain significance for Cardiovascular phenotype. Last evaluated: 2026-06-09. Review status: criteria provided, single submitter. Criteria: Ambry Variant Classification Scheme 2023. Collection method: clinical testing. Allele origin: germline.
Comment: The p.F282I variant (also known as c.844T>A), located in coding exon 7 of the ENG gene, results from a T to A substitution at nucleotide position 844. The phenylalanine at codon 282 is replaced by isoleucine, an amino acid with highly similar properties. This amino acid position is conserved. In addition, this alteration is predicted to be tolerated by in silico analysis. Based on the available evidence, the clinical significance of this variant remains unclear.